The following is an entry in ClinVar:

NM_001278116.2(L1CAM):c.3029G>A (p.Gly1010Asp)

Gene: L1CAM (L1 cell adhesion molecule; minus strand). Cytogenetic location: Xq28.
Variant type: single nucleotide variant.
Coding change: c.3029G>A on transcript NM_001278116.2 (MANE Select); coding-DNA position 3029, G replaced by A.
Protein change: p.Gly1010Asp; replaces glycine 1010 with aspartic acid.
Molecular consequence: missense variant.
Genome position (GRCh38, 1-based): chrX:153,864,838, C>T on the plus strand (G>A on the coding strand, the complement: L1CAM is on the minus strand). VCF-style: chrX-153864838-C-T. GRCh37 (hg19) VCF-style: chrX-153130293-C-T.
Other names: c.3029G>A, p.Gly1010Asp (NM_000425.5, NM_024003.3); c.3014G>A, p.Gly1005Asp (NM_001143963.2); short protein forms G1005D, G1010D.
Identifiers: ClinVar variation 3636360 (VCV003636360.2).

ClinVar aggregate classification (germline): Uncertain significance (1 of 4 stars; one submission).

Conditions:
Spastic paraplegia. Identifiers: MedGen C0037772, HP:0001258.

Submission:

Labcorp Genetics (formerly Invitae), Labcorp
Classification: Uncertain significance for Spastic paraplegia. Last evaluated: 2024-06-24. Review status: criteria provided, single submitter. Criteria: Invitae Variant Classification Sherloc (09022015). Collection method: clinical testing. Allele origin: germline.
Comment: This sequence change replaces glycine, which is neutral and non-polar, with aspartic acid, which is acidic and polar, at codon 1010 of the L1CAM protein (p.Gly1010Asp). This variant is not present in population databases (gnomAD no frequency). This variant has not been reported in the literature in individuals affected with L1CAM-related conditions. Advanced modeling of protein sequence and biophysical properties (such as structural, functional, and spatial information, amino acid conservation, physicochemical variation, residue mobility, and thermodynamic stability) performed at Invitae indicates that this missense variant is not expected to disrupt L1CAM protein function with a negative predictive value of 95%. In summary, the available evidence is currently insufficient to determine the role of this variant in disease. Therefore, it has been classified as a Variant of Uncertain Significance.